The following is an entry in ClinVar:

NM_001378615.1(CC2D2A):c.3744_3747dup (p.Pro1250fs)

Genes: CC2D2A (coiled-coil and C2 domain containing 2A; plus strand), FBXL5 (F-box and leucine rich repeat protein 5; minus strand). Cytogenetic location: 4p15.32.
Variant type: Duplication.
Coding change: c.3744_3747dup on transcript NM_001378615.1 (MANE Select); coding-DNA positions 3744 to 3747, 4 bases duplicated (GGTT; older notation c.3744_3747dupGGTT).
Protein change: p.Pro1250fs; shifts the reading frame from proline 1250.
Molecular consequence: frameshift variant.
Genome position (GRCh38, 1-based): chr4:15,574,299-15,574,302, GGTT duplicated; duplicating any 4 consecutive bases within chr4:15,574,298-15,574,302 gives the same sequence; the c. name uses the placement nearest the transcript's 3' end. VCF-style (leftmost placement, unchanged base first): chr4-15574297-C-CTGGT. GRCh37 (hg19) VCF-style: chr4-15575920-C-CTGGT.
Other names: c.3743_3746dupTGGT (NM_001080522.2); c.3744_3747dup, p.Pro1250fs (NM_001080522.2); c.3597_3600dup, p.Pro1201fs (NM_001378617.1); c.3744_3747dupGGTT (NM_001080522.2); short protein forms P1250fs, P1201fs.
Identifiers: ClinVar variation 217599 (VCV000217599.11), dbSNP rs863225171, ClinGen allele CA279396.

ClinVar aggregate classification (germline): Pathogenic/Likely pathogenic. Review status: criteria provided, multiple submitters, no conflicts (2 of 4 stars). 4 submissions from 4 submitters: Pathogenic (3); Likely pathogenic (1). Last evaluated 2025-11-03.

Conditions:
Joubert syndrome 9 (JBTS9). Identifiers: Orphanet 2318, MedGen C2676788, MONDO:0012849, OMIM 612285.
CC2D2A-related disorder. Also called: CC2D2A-related disorders; CC2D2A-related condition. Identifiers: MedGen CN239313.
Joubert syndrome. Also called: Familial aplasia of the vermis; JOUBERT-BOLTSHAUSER SYNDROME. Identifiers: Orphanet 475, MedGen C5979921, MONDO:0018772.
Meckel-Gruber syndrome. Also called: Dysencephalia splachnocystica; DYSENCEPHALIA SPLANCHNOCYSTICA; GRUBER SYNDROME. Identifiers: Orphanet 564, MedGen C0265215, MONDO:0018921.

Submissions (4):

Labcorp Genetics (formerly Invitae), Labcorp
Classification: Pathogenic for Joubert syndrome; Meckel-Gruber syndrome. Last evaluated: 2025-11-03. Review status: criteria provided, single submitter. Criteria: Invitae Variant Classification Sherloc (09022015). Collection method: clinical testing. Allele origin: germline.
Comment: This sequence change creates a premature translational stop signal (p.Pro1250Glyfs*11) in the CC2D2A gene. It is expected to result in an absent or disrupted protein product. Loss-of-function variants in CC2D2A are known to be pathogenic (PMID: 19777577). This variant is present in population databases (no rsID available, gnomAD 0.007%). This premature translational stop signal has been observed in individual(s) with Joubert syndrome (PMID: 26092869). ClinVar contains an entry for this variant (Variation ID: 217599). For these reasons, this variant has been classified as Pathogenic.

PreventionGenetics, part of Exact Sciences
Classification: Pathogenic for CC2D2A-related condition. Last evaluated: 2025-01-07. Review status: criteria provided, single submitter. Criteria: ACMG Guidelines, 2015. Collection method: clinical testing. Allele origin: germline.
Comment: The CC2D2A c.3744_3747dupGGTT variant is predicted to result in a frameshift and premature protein termination (p.Pro1250Glyfs*11). This variant was reported as a compound heterozygous mutation in individuals with Joubert syndrome (Table S5, Bachmann-Gagescu et al. 2015. PubMed ID: 26092869). This variant has not been reported in a large population database (gnomAD), indicating this variant is rare. This variant is interpreted as pathogenic in ClinVar. Frameshift variants in CC2D2A are expected to be pathogenic. This variant is interpreted as pathogenic.

Blueprint Genetics
Classification: Likely pathogenic for CC2D2A-related disorders. Last evaluated: 2024-02-09. Review status: criteria provided, single submitter. Criteria: ACMG Guidelines, 2015. Collection method: clinical testing. Allele origin: germline. Affected: yes. Observed: 2 variant alleles.

UW Hindbrain Malformation Research Program, University of Washington
Classification: Pathogenic for Joubert syndrome 9. Last evaluated: 2015-02-23. Review status: criteria provided, single submitter. Criteria: Bachmann-Gagescu et al. (J Med Genet. 2015). Collection method: research. Allele origin: unknown. Affected: yes.

Literature cited by the submitters: PubMed 19777577 (cited by Labcorp Genetics (formerly Invitae), Labcorp); PubMed 26092869 (cited by Labcorp Genetics (formerly Invitae), Labcorp).